The following is an entry in ClinVar:

ClinVar aggregate classification (germline): Uncertain significance (1 of 4 stars; one submission).

Allele frequency attached by ClinVar (database versions not stated): gnomAD exomes below 0.00001.
gnomAD v4.1: 4 of 1,611,582 alleles (0.00025%); highest among the groups gnomAD compares: Non-Finnish European, 0.00034%; no homozygotes.

Submission:

Ambry Genetics
Classification: Uncertain significance. Last evaluated: 2021-06-15. Review status: criteria provided, single submitter. Criteria: Ambry Variant Classification Scheme 2023. Collection method: clinical testing. Allele origin: germline.
Comment: The p.N149K variant (also known as c.447T>A), located in coding exon 3 of the MNDA gene, results from a T to A substitution at nucleotide position 447. The asparagine at codon 149 is replaced by lysine, an amino acid with similar properties. This amino acid position is conserved. In addition, this alteration is predicted to be tolerated by in silico analysis. Since supporting evidence is limited at this time, the clinical significance of this alteration remains unclear.

NM_002432.3(MNDA):c.447T>A (p.Asn149Lys)

Gene: MNDA (myeloid cell nuclear differentiation antigen; plus strand). Cytogenetic location: 1q23.1.
Variant type: single nucleotide variant.
Coding change: c.447T>A on transcript NM_002432.3 (MANE Select); coding-DNA position 447, T replaced by A.
Protein change: p.Asn149Lys; replaces asparagine 149 with lysine.
Molecular consequence: missense variant.
Genome position (GRCh38, 1-based): chr1:158,843,999, T>A. VCF-style: chr1-158843999-T-A. GRCh37 (hg19) VCF-style: chr1-158813789-T-A.
Other names: short protein forms N149K.
Identifiers: ClinVar variation 1740903 (VCV001740903.2), dbSNP rs2526081524, ClinGen allele CA343039217.